The following is an entry in ClinVar:

NM_002900.3(RBP3):c.2911C>T (p.Arg971Cys)

Gene: RBP3 (retinol binding protein 3; plus strand). Cytogenetic location: 10q11.22.
Variant type: single nucleotide variant.
Coding change: c.2911C>T on transcript NM_002900.3 (MANE Select); coding-DNA position 2911, C replaced by T.
Protein change: p.Arg971Cys; replaces arginine 971 with cysteine.
Molecular consequence: missense variant.
Genome position (GRCh38, 1-based): chr10:47,351,395, C>T. VCF-style: chr10-47351395-C-T. GRCh37 (hg19) VCF-style: chr10-48387967-G-A.
Other names: short protein forms R971C.
Identifiers: ClinVar variation 1930203 (VCV001930203.5), dbSNP rs1836971789, ClinGen allele CA376675600.

ClinVar aggregate classification (germline): Uncertain significance (1 of 4 stars; one submission).

Allele frequency attached by ClinVar (database versions not stated): TOPMed below 0.00001; gnomAD exomes 0.00001.
gnomAD v4.1: 7 of 1,613,674 alleles (0.00043%); highest among the groups gnomAD compares: Admixed American, 0.0017%; no homozygotes.

Submission:

Labcorp Genetics (formerly Invitae), Labcorp
Classification: Uncertain significance. Last evaluated: 2022-03-15. Review status: criteria provided, single submitter. Criteria: Invitae Variant Classification Sherloc (09022015). Collection method: clinical testing. Allele origin: germline.
Comment: This variant has not been reported in the literature in individuals affected with RBP3-related conditions. Algorithms developed to predict the effect of missense changes on protein structure and function output the following: SIFT: "Deleterious"; PolyPhen-2: "Possibly Damaging"; Align-GVGD: "Class C15". The cysteine amino acid residue is found in multiple mammalian species, which suggests that this missense change does not adversely affect protein function. In summary, the available evidence is currently insufficient to determine the role of this variant in disease. Therefore, it has been classified as a Variant of Uncertain Significance. This variant is not present in population databases (gnomAD no frequency). This sequence change replaces arginine, which is basic and polar, with cysteine, which is neutral and slightly polar, at codon 971 of the RBP3 protein (p.Arg971Cys).